The following is an entry in ClinVar:

NM_020433.5(JPH2):c.2011-5C>G

Gene: JPH2 (junctophilin 2; minus strand). Cytogenetic location: 20q13.12.
Variant type: single nucleotide variant.
Coding change: c.2011-5C>G on transcript NM_020433.5 (MANE Select); 5 bases into the intron before coding-DNA position 2011, C replaced by G.
Molecular consequence: intron variant.
Genome position (GRCh38, 1-based): chr20:44,114,881, G>C on the plus strand (C>G on the coding strand, the complement: JPH2 is on the minus strand). VCF-style: chr20-44114881-G-C. GRCh37 (hg19) VCF-style: chr20-42743521-G-C.
Identifiers: ClinVar variation 3287230 (VCV003287230.1).

ClinVar aggregate classification (germline): Uncertain significance (1 of 4 stars; one submission).

Conditions:
Cardiovascular phenotype. Identifiers: MedGen CN230736.

Submission:

Ambry Genetics
Classification: Uncertain significance for Cardiovascular phenotype. Last evaluated: 2024-05-02. Review status: criteria provided, single submitter. Criteria: Ambry Variant Classification Scheme 2023. Collection method: clinical testing. Allele origin: germline.
Comment: The c.2011-5C>G intronic variant results from a C to G substitution 5 nucleotides upstream from coding exon 5 in the JPH2 gene. This nucleotide position is not well conserved in available vertebrate species. In silico splice site analysis predicts that this alteration will not have any significant effect on splicing. Based on the available evidence, the clinical significance of this variant remains unclear.